The following is an entry in ClinVar:

NM_001378454.1(ALMS1):c.8501A>G (p.Lys2834Arg)

Gene: ALMS1 (ALMS1 centrosome and basal body associated protein; plus strand). Cytogenetic location: 2p13.1.
Variant type: single nucleotide variant.
Coding change: c.8501A>G on transcript NM_001378454.1 (MANE Select); coding-DNA position 8501, A replaced by G.
Protein change: p.Lys2834Arg; replaces lysine 2834 with arginine.
Molecular consequence: missense variant.
Genome position (GRCh38, 1-based): chr2:73,490,460, A>G. VCF-style: chr2-73490460-A-G. GRCh37 (hg19) VCF-style: chr2-73717587-A-G.
Other names: c.8504A>G, p.Lys2835Arg (NM_015120.4); short protein forms K2834R, K2835R.
Identifiers: ClinVar variation 1409618 (VCV001409618.3), dbSNP rs1672955488, ClinGen allele CA347269165.
Genomic context (GRCh38, chr2:73,490,460, plus strand): 5'-GATCAGATTTTACAGGCAGTCATTCTGAGCCCAGTACCAGGGCAAATTGTAGCAATTTCA[A>G]GGAAATTCAGATTTCTGATAACCATACCCTTATTAGCATGGGCAGACCAAGTTCCACCCT-3'
Protein context (NP_001365383.1, residues 2824-2844): PSTRANCSNF[Lys2834Arg]EIQISDNHTL

ClinVar aggregate classification (germline): Uncertain significance (1 of 4 stars; one submission).

Conditions:
Alstrom syndrome (ALMS). Identifiers: Orphanet 64, MedGen C0268425, MONDO:0008763, OMIM 203800.

Allele frequency attached by ClinVar (database versions not stated): TOPMed 0.00001.
gnomAD v4.1: 1 of 1,614,192 alleles (0.000062%); highest among the groups gnomAD compares: Non-Finnish European, 0.000085%; no homozygotes.

Submission:

Labcorp Genetics (formerly Invitae), Labcorp
Classification: Uncertain significance for Alstrom syndrome. Last evaluated: 2021-10-04. Review status: criteria provided, single submitter. Criteria: Invitae Variant Classification Sherloc (09022015). Collection method: clinical testing. Allele origin: germline.
Comment: This sequence change replaces lysine with arginine at codon 2835 of the ALMS1 protein (p.Lys2835Arg). The lysine residue is moderately conserved and there is a small physicochemical difference between lysine and arginine. This variant is not present in population databases (ExAC no frequency). This variant has not been reported in the literature in individuals affected with ALMS1-related conditions. Experimental studies and prediction algorithms are not available or were not evaluated, and the functional significance of this variant is currently unknown. In summary, the available evidence is currently insufficient to determine the role of this variant in disease. Therefore, it has been classified as a Variant of Uncertain Significance.